The following is an entry in ClinVar:

ClinVar aggregate classification (germline): Pathogenic (1 of 4 stars; one submission).

Conditions:
Familial cancer of breast. Also called: BREAST CANCER, FAMILIAL; Hereditary breast cancer; hereditary breast carcinoma. Identifiers: Orphanet 227535, MedGen C0346153, MONDO:0016419, OMIM 114480. Disease mechanism: loss of function.

Submission:

Myriad Genetics, Inc.
Classification: Pathogenic for Familial cancer of breast. Last evaluated: 2026-02-20. Review status: criteria provided, single submitter. Criteria: Myriad Autosomal Dominant, Autosomal Recessive and X-Linked Classification Criteria (2023). Collection method: clinical testing. Allele origin: unknown.
Comment: This variant is considered pathogenic. This variant occurs within a consensus splice junction and is predicted to result in abnormal mRNA splicing of either an out-of-frame exon or an in-frame exon necessary for protein stability and/or normal function. Functional studies indicate this variant impacts protein function [PMID: 18497957]. This variant has been reported in multiple individuals with clinical features of gene-specific disease [PMID: 38843839, 26896183].

Literature cited by the submitters: PubMed 18497957; PubMed 38843839; PubMed 26896183.

NM_000051.4(ATM):c.5177+1G>T

Gene: ATM (ATM serine/threonine kinase; plus strand). Cytogenetic location: 11q22.3.
Variant type: single nucleotide variant.
Coding change: c.5177+1G>T on transcript NM_000051.4 (MANE Select); the canonical splice donor site of the intron after coding-DNA position 5177, G replaced by T.
Molecular consequence: splice donor variant.
Genome position (GRCh38, 1-based): chr11:108,299,886, G>T. VCF-style: chr11-108299886-G-T. GRCh37 (hg19) VCF-style: chr11-108170613-G-T.
Other names: c.5177+1G>T (NM_001351834.2).
Identifiers: ClinVar variation 3148195 (VCV003148195.2), dbSNP rs1131691159, ClinGen allele CA382541265.